The following is an entry in ClinVar:

ClinVar aggregate classification (germline): Conflicting classifications of pathogenicity. Review status: criteria provided, conflicting classifications (1 of 4 stars). 2 submissions from 2 submitters: Likely pathogenic (1); Uncertain significance (1). Last evaluated 2022-08-05.

Conditions:
Melnick-Fraser syndrome (BOR). Also called: Branchio-oto-renal syndrome; Branchiootorenal Syndrome (BORS); Branchiootorenal syndrome. Identifiers: Orphanet 107, MedGen C0265234, MONDO:0007029.

Submissions (2):

GeneDx
Classification: Likely pathogenic. Last evaluated: 2022-08-05. Review status: criteria provided, single submitter. Criteria: GeneDx Variant Classification Process June 2021. Collection method: clinical testing. Allele origin: germline. Affected: yes.
Comment: Intronic +5 splice site variant in a gene for which loss of function is a known mechanism of disease, and splice predictors support a deleterious effect; Not observed in large population cohorts (gnomAD); Has not been previously published as pathogenic or benign to our knowledge

Labcorp Genetics (formerly Invitae), Labcorp
Classification: Uncertain significance for Melnick-Fraser syndrome. Last evaluated: 2021-09-15. Review status: criteria provided, single submitter. Criteria: Invitae Variant Classification Sherloc (09022015). Collection method: clinical testing. Allele origin: germline.
Comment: This variant has been observed in individual(s) with clinical features of Branchiootorenal syndrome (Invitae). This variant is not present in population databases (ExAC no frequency). This sequence change falls in intron 10 of the EYA1 gene. It does not directly change the encoded amino acid sequence of the EYA1 protein. It affects a nucleotide within the consensus splice site of the intron. ClinVar contains an entry for this variant (Variation ID: 1200025). In summary, the available evidence is currently insufficient to determine the role of this variant in disease. Therefore, it has been classified as a Variant of Uncertain Significance. This variant disrupts the c.966+5G nucleotide in the EYA1 gene. Other variant(s) that disrupt this nucleotide have been determined to be pathogenic (PMID: 19206155, 21280147). This suggests that this nucleotide is clinically significant, and that variants that disrupt this position are likely to be disease-causing. Variants that disrupt the consensus splice site are a relatively common cause of aberrant splicing (PMID: 17576681, 9536098). Algorithms developed to predict the effect of sequence changes on RNA splicing suggest that this variant may disrupt the consensus splice site.

Literature cited by the submitters: PubMed 19206155 (cited by Labcorp Genetics (formerly Invitae), Labcorp); PubMed 21280147 (cited by Labcorp Genetics (formerly Invitae), Labcorp); PubMed 17576681 (cited by Labcorp Genetics (formerly Invitae), Labcorp); PubMed 9536098 (cited by Labcorp Genetics (formerly Invitae), Labcorp).

NM_000503.6(EYA1):c.966+5G>C

Gene: EYA1 (EYA transcriptional coactivator and phosphatase 1; minus strand). Cytogenetic location: 8q13.3.
Variant type: single nucleotide variant.
Coding change: c.966+5G>C on transcript NM_000503.6 (MANE Select); 5 bases into the intron after coding-DNA position 966, G replaced by C.
Molecular consequence: intron variant.
Genome position (GRCh38, 1-based): chr8:71,271,753, C>G on the plus strand (G>C on the coding strand, the complement: EYA1 is on the minus strand). VCF-style: chr8-71271753-C-G. GRCh37 (hg19) VCF-style: chr8-72183988-C-G.
Other names: c.1035+5G>C (NM_001370336.1); c.1053+5G>C (NM_001370333.1); c.966+5G>C (NM_001370335.1, NM_001370334.1, NM_172058.4); c.1038+5G>C (NM_172059.5); c.600+5G>C (NM_001288575.2); c.948+5G>C (NM_001288574.2).
Identifiers: ClinVar variation 1200025 (VCV001200025.10), dbSNP rs606231357, ClinGen allele CA645547865.